The following is an entry in ClinVar:

ClinVar aggregate classification (germline): Uncertain significance. Review status: criteria provided, multiple submitters, no conflicts (2 of 4 stars). 3 submissions from 3 submitters: Uncertain significance (3). Last evaluated 2025-04-25.

Conditions:
Inborn genetic diseases. Identifiers: MedGen C0950123, MeSH D030342.

Allele frequency attached by ClinVar (database versions not stated): ESP Exome Variant Server 0.00009; gnomAD exomes 0.00001 and below 0.00001; TOPMed 0.00001; gnomAD 0.00002.
gnomAD v4.1: 6 of 1,209,358 alleles (0.0005%); highest among the groups gnomAD compares: Admixed American, 0.0022%; no homozygotes.

Submissions (3):

Ambry Genetics
Classification: Uncertain significance for Inborn genetic diseases. Last evaluated: 2025-04-25. Review status: criteria provided, single submitter. Criteria: Ambry Variant Classification Scheme 2023. Collection method: clinical testing. Allele origin: germline.

Women's Health and Genetics/Laboratory Corporation of America, LabCorp
Classification: Uncertain significance. Last evaluated: 2023-06-23. Review status: criteria provided, single submitter. Criteria: LabCorp Variant Classification Summary - May 2015. Collection method: clinical testing. Allele origin: germline.
Comment: Variant summary: RPL10 c.484C>T (p.Arg162Cys) results in a non-conservative amino acid change located in the Ribosomal protein L10e/L16 domain (IPR016180) of the encoded protein sequence. Three of five in-silico tools predict a damaging effect of the variant on protein function. The variant allele was found at a frequency of 5.5e-06 in 183113 control chromosomes (gnomAD). The available data on variant occurrences in the general population are insufficient to allow any conclusion about variant significance. To our knowledge, no occurrence of c.484C>T in individuals affected with Intellectual Disability, X-Linked, Syndromic, 35 and no experimental evidence demonstrating its impact on protein function have been reported. One ClinVar submitter has assessed the variant since 2014: the variant was classified as uncertain significance. Based on the evidence outlined above, the variant was classified as uncertain significance.

GeneDx
Classification: Uncertain significance. Last evaluated: 2019-01-21. Review status: criteria provided, single submitter. Criteria: GeneDx Variant Classification Process June 2021. Collection method: clinical testing. Allele origin: germline. Affected: yes.
Comment: Not observed at a significant frequency in large population cohorts (Lek et al., 2016); In silico analysis, which includes protein predictors and evolutionary conservation, supports a deleterious effect; Has not been previously published as pathogenic or benign to our knowledge

NM_006013.5(RPL10):c.484C>T (p.Arg162Cys)

Gene: RPL10 (ribosomal protein L10; plus strand). Cytogenetic location: Xq28.
Variant type: single nucleotide variant.
Coding change: c.484C>T on transcript NM_006013.5 (MANE Select); coding-DNA position 484, C replaced by T.
Protein change: p.Arg162Cys; replaces arginine 162 with cysteine.
Molecular consequence: missense variant. On other transcripts: 3 prime UTR variant (1), intron variant (1).
Genome position (GRCh38, 1-based): chrX:154,400,618, C>T. VCF-style: chrX-154400618-C-T. GRCh37 (hg19) VCF-style: chrX-153628959-C-T.
Other names: c.376C>T, p.Arg126Cys (NM_001256580.2); c.484C>T, p.Arg162Cys (NM_001303624.2, NM_001303625.1); c.*35C>T (NM_001303626.1); c.330-84C>T (NM_001256577.2); c.484C>T (NM_006013.4); short protein forms R126C, R162C.
Identifiers: ClinVar variation 1215891 (VCV001215891.5), dbSNP rs372041364, ClinGen allele CA337296959.